The following is an entry in ClinVar:

NM_021930.6(RINT1):c.29C>A (p.Ser10Tyr)

Gene: RINT1 (RAD50 interactor 1; plus strand). Cytogenetic location: 7q22.3.
Variant type: single nucleotide variant.
Coding change: c.29C>A on transcript NM_021930.6 (MANE Select); coding-DNA position 29, C replaced by A.
Protein change: p.Ser10Tyr; replaces serine 10 with tyrosine.
Molecular consequence: missense variant. On other transcripts: 5 prime UTR variant (4), non-coding transcript variant (1).
Genome position (GRCh38, 1-based): chr7:105,532,344, C>A. VCF-style: chr7-105532344-C-A. GRCh37 (hg19) VCF-style: chr7-105172791-C-A.
Other names: c.-69C>A (NM_001346599.2); c.-991C>A (NM_001346600.2); c.-894C>A (NM_001346601.2); c.-514C>A (NM_001346603.2); short protein forms S10Y.
Identifiers: ClinVar variation 1030776 (VCV001030776.11), dbSNP rs1301146115, ClinGen allele CA368799028.

ClinVar aggregate classification (germline): Conflicting classifications of pathogenicity. Review status: criteria provided, conflicting classifications (1 of 4 stars). 3 submissions from 3 submitters: Uncertain significance (2); Likely benign (1). Last evaluated 2024-09-12.

Conditions:
Infantile liver failure syndrome 3. Identifiers: MedGen C5231437, MONDO:0032844, OMIM 618641.

Allele frequency attached by ClinVar (database versions not stated): TOPMed 0.00001.
gnomAD v4.1: 5 of 1,600,294 alleles (0.00031%); highest among the groups gnomAD compares: Middle Eastern, 0.017%; no homozygotes.

Submissions (3):

Labcorp Genetics (formerly Invitae), Labcorp
Classification: Uncertain significance. Last evaluated: 2024-09-12. Review status: criteria provided, single submitter. Criteria: Invitae Variant Classification Sherloc (09022015). Collection method: clinical testing. Allele origin: germline.
Comment: This sequence change replaces serine, which is neutral and polar, with tyrosine, which is neutral and polar, at codon 10 of the RINT1 protein (p.Ser10Tyr). This variant is present in population databases (no rsID available, gnomAD 0.007%). This variant has not been reported in the literature in individuals affected with RINT1-related conditions. ClinVar contains an entry for this variant (Variation ID: 1030776). An algorithm developed to predict the effect of missense changes on protein structure and function (PolyPhen-2) suggests that this variant is likely to be tolerated. In summary, the available evidence is currently insufficient to determine the role of this variant in disease. Therefore, it has been classified as a Variant of Uncertain Significance.

Ambry Genetics
Classification: Likely benign. Last evaluated: 2024-03-29. Review status: criteria provided, single submitter. Criteria: Ambry Variant Classification Scheme 2023. Collection method: clinical testing. Allele origin: germline.

Baylor Genetics
Classification: Uncertain significance for Infantile liver failure syndrome 3. Last evaluated: 2020-06-08. Review status: criteria provided, single submitter. Criteria: ACMG Guidelines, 2015. Collection method: clinical testing. Allele origin: unknown. Affected: yes.
Comment: This variant was determined to be of uncertain significance according to ACMG Guidelines, 2015 [PMID:25741868].